The following is an entry in ClinVar:

NM_001394998.1(TANC2):c.1220C>T (p.Pro407Leu)

Gene: TANC2 (tetratricopeptide repeat, ankyrin repeat and coiled-coil containing 2; plus strand). Cytogenetic location: 17q23.3.
Variant type: single nucleotide variant.
Coding change: c.1220C>T on transcript NM_001394998.1 (MANE Select); coding-DNA position 1220, C replaced by T.
Protein change: p.Pro407Leu; replaces proline 407 with leucine.
Molecular consequence: missense variant.
Genome position (GRCh38, 1-based): chr17:63,314,448, C>T. VCF-style: chr17-63314448-C-T. GRCh37 (hg19) VCF-style: chr17-61391809-C-T.
Other names: c.998C>T, p.Pro333Leu (NM_001411076.1, NM_025185.4); short protein forms P333L, P407L.
Identifiers: ClinVar variation 4278835 (VCV004278835.1).

ClinVar aggregate classification (germline): Uncertain significance (1 of 4 stars; one submission).

Submission:

GeneDx
Classification: Uncertain significance. Last evaluated: 2025-04-02. Review status: criteria provided, single submitter. Criteria: GeneDx Variant Classification Process June 2021. Collection method: clinical testing. Allele origin: germline. Affected: yes.
Comment: Not observed at significant frequency in large population cohorts (gnomAD); In silico analysis supports that this missense variant has a deleterious effect on protein structure/function; Has not been previously published as pathogenic or benign to our knowledge